The following is an entry in ClinVar:

ClinVar aggregate classification (germline): Uncertain significance (1 of 4 stars; one submission).

Conditions:
Hereditary cancer-predisposing syndrome. Also called: Neoplastic Syndromes, Hereditary; Tumor predisposition; Hereditary neoplastic syndrome; Hereditary Cancer Syndrome. Identifiers: Orphanet 140162, MedGen C0027672, MeSH D009386, MONDO:0015356.

Submission:

Ambry Genetics
Classification: Uncertain significance for Hereditary cancer-predisposing syndrome. Last evaluated: 2023-10-25. Review status: criteria provided, single submitter. Criteria: Ambry Variant Classification Scheme 2023. Collection method: clinical testing. Allele origin: germline.
Comment: The p.S2062I variant (also known as c.6185G>T), located in coding exon 10 of the BRCA2 gene, results from a G to T substitution at nucleotide position 6185. The serine at codon 2062 is replaced by isoleucine, an amino acid with dissimilar properties. This amino acid position is conserved. In addition, the in silico prediction for this alteration is inconclusive. Since supporting evidence is limited at this time, the clinical significance of this alteration remains unclear.

NM_000059.4(BRCA2):c.6185G>T (p.Ser2062Ile)

Gene: BRCA2 (BRCA2 DNA repair associated; plus strand). Cytogenetic location: 13q13.1.
Variant type: single nucleotide variant.
Coding change: c.6185G>T on transcript NM_000059.4 (MANE Select); coding-DNA position 6185, G replaced by T.
Protein change: p.Ser2062Ile; replaces serine 2062 with isoleucine.
Molecular consequence: missense variant. On other transcripts: non-coding transcript variant (1), intron variant (2).
Genome position (GRCh38, 1-based): chr13:32,340,540, G>T. VCF-style: chr13-32340540-G-T. GRCh37 (hg19) VCF-style: chr13-32914677-G-T.
Other names: c.6185G>T, p.Ser2062Ile (NM_001406719.1, NM_001406720.1); c.1910-4018G>T (NM_001406721.1); c.425-4018G>T (NM_001406722.1); short protein forms S2062I.
Identifiers: ClinVar variation 3227840 (VCV003227840.1), dbSNP rs754353971, ClinGen allele CA387788411.